The following is an entry in ClinVar:

NM_014283.5(SUCO):c.970C>A (p.Pro324Thr)

Gene: SUCO (SUN domain containing ossification factor; plus strand). Cytogenetic location: 1q24.3.
Variant type: single nucleotide variant.
Coding change: c.970C>A on transcript NM_014283.5 (MANE Select); coding-DNA position 970, C replaced by A.
Protein change: p.Pro324Thr; replaces proline 324 with threonine.
Molecular consequence: missense variant. On other transcripts: 5 prime UTR variant (1).
Genome position (GRCh38, 1-based): chr1:172,570,160, C>A. VCF-style: chr1-172570160-C-A. GRCh37 (hg19) VCF-style: chr1-172539300-C-A.
Other names: c.859C>A, p.Pro287Thr (NM_001282750.2); c.-560C>A (NM_001282751.2); c.1444C>A, p.Pro482Thr (NM_016227.4); short protein forms P324T, P482T, P287T.
Identifiers: ClinVar variation 2876641 (VCV002876641.3), dbSNP rs1354969931, ClinGen allele CA343737830.

ClinVar aggregate classification (germline): Uncertain significance (1 of 4 stars; one submission).

Allele frequency attached by ClinVar (database versions not stated): gnomAD exomes below 0.00001.
gnomAD v4.1: 1 of 1,576,844 alleles (0.000063%); highest among the groups gnomAD compares: Middle Eastern, 0.017%; no homozygotes.

Submission:

Labcorp Genetics (formerly Invitae), Labcorp
Classification: Uncertain significance. Last evaluated: 2023-04-12. Review status: criteria provided, single submitter. Criteria: Invitae Variant Classification Sherloc (09022015). Collection method: clinical testing. Allele origin: germline.
Comment: An algorithm developed to predict the effect of missense changes on protein structure and function (PolyPhen-2) suggests that this variant is likely to be disruptive. In summary, the available evidence is currently insufficient to determine the role of this variant in disease. Therefore, it has been classified as a Variant of Uncertain Significance. This sequence change replaces proline, which is neutral and non-polar, with threonine, which is neutral and polar, at codon 324 of the SUCO protein (p.Pro324Thr). This variant is not present in population databases (gnomAD no frequency). This variant has not been reported in the literature in individuals affected with SUCO-related conditions.